The following is an entry in ClinVar:

NM_022463.5(NXN):c.382C>T (p.Arg128Ter)

Gene: NXN (nucleoredoxin; minus strand). Cytogenetic location: 17p13.3.
Variant type: single nucleotide variant.
Coding change: c.382C>T on transcript NM_022463.5 (MANE Select); coding-DNA position 382, C replaced by T.
Protein change: p.Arg128Ter; replaces arginine 128 with a stop codon.
Molecular consequence: nonsense.
Genome position (GRCh38, 1-based): chr17:826,057, G>A on the plus strand (C>T on the coding strand, the complement: NXN is on the minus strand). VCF-style: chr17-826057-G-A. GRCh37 (hg19) VCF-style: chr17-729297-G-A.
Other names: c.58C>T, p.Arg20Ter (NM_001205319.1); short protein forms R20*, R128*.
Identifiers: ClinVar variation 1462352 (VCV001462352.6), dbSNP rs770241381, ClinGen allele CA397493822.
Genomic context (GRCh38, chr17:826,057, plus strand): 5'-TGCACACAACCTTCCCAGTGGTGGCGTCGAGGAATATTAGTGATGGAATGTTGGAAATTC[G>A]GTATTTGTTCCAAAGTTTGAGCTGTATGAAGAAAAGCAAAAGAAGGTGGTTAAGTCCAAA-3'

ClinVar aggregate classification (germline): Pathogenic (1 of 4 stars; one submission).

gnomAD v4.1: 3 of 1,613,508 alleles (0.00019%); highest among the groups gnomAD compares: Non-Finnish European, 0.00025%; no homozygotes.

Submission:

Labcorp Genetics (formerly Invitae), Labcorp
Classification: Pathogenic. Last evaluated: 2022-09-19. Review status: criteria provided, single submitter. Criteria: Invitae Variant Classification Sherloc (09022015). Collection method: clinical testing. Allele origin: germline.
Comment: For these reasons, this variant has been classified as Pathogenic. ClinVar contains an entry for this variant (Variation ID: 1462352). This variant has not been reported in the literature in individuals affected with NXN-related conditions. This variant is not present in population databases (gnomAD no frequency). This sequence change creates a premature translational stop signal (p.Arg128*) in the NXN gene. It is expected to result in an absent or disrupted protein product. Loss-of-function variants in NXN are known to be pathogenic (PMID: 29276006, 33048444).

Literature cited by the submitters: PubMed 29276006; PubMed 33048444.